The following is an entry in ClinVar:

NM_001039.4(SCNN1G):c.1720G>C (p.Ala574Pro)

Gene: SCNN1G (sodium channel epithelial 1 subunit gamma; plus strand). Cytogenetic location: 16p12.2.
Variant type: single nucleotide variant.
Coding change: c.1720G>C on transcript NM_001039.4 (MANE Select); coding-DNA position 1720, G replaced by C.
Protein change: p.Ala574Pro; replaces alanine 574 with proline.
Molecular consequence: missense variant.
Genome position (GRCh38, 1-based): chr16:23,215,239, G>C. VCF-style: chr16-23215239-G-C. GRCh37 (hg19) VCF-style: chr16-23226560-G-C.
Other names: short protein forms A574P.
Identifiers: ClinVar variation 2443466 (VCV002443466.1), dbSNP rs1401066895, ClinGen allele CA395103532.
Genomic context (GRCh38, chr16:23,215,239, plus strand): 5'-TTCATTGACTTCTTCTCTATCATTGCCCGCCGCCAGTGGCAGAAAGCCAAGGAGTGGTGG[G>C]CCTGGAAACAGGCTCCCCCATGTCCAGAAGCTCCCCGTAGCCCACAGGGCCAGGACAATC-3'
Protein context (NP_001030.2, residues 564-584): RQWQKAKEWW[Ala574Pro]WKQAPPCPEA

ClinVar aggregate classification (germline): Uncertain significance (1 of 4 stars; one submission).

Allele frequency attached by ClinVar (database versions not stated): TOPMed below 0.00001; gnomAD 0.00001.

Submission:

GeneDx
Classification: Uncertain significance. Last evaluated: 2022-09-08. Review status: criteria provided, single submitter. Criteria: GeneDx Variant Classification Process June 2021. Collection method: clinical testing. Allele origin: germline. Affected: yes.
Comment: Not observed at significant frequency in large population cohorts (gnomAD); In silico analysis supports that this missense variant does not alter protein structure/function; Has not been previously published as pathogenic or benign to our knowledge